The following is an entry in ClinVar:

NM_003482.4(KMT2D):c.3519G>A (p.Lys1173=)

Genes: KMT2D (lysine methyltransferase 2D; minus strand), LOC126861520 (CDK7 strongly-dependent group 2 enhancer GRCh37_chr12:49442744-49443943; plus strand). Cytogenetic location: 12q13.12.
Variant type: single nucleotide variant.
Coding change: c.3519G>A on transcript NM_003482.4 (MANE Select); coding-DNA position 3519, G replaced by A.
Protein change: p.Lys1173=; no amino-acid change (lysine 1173 retained).
Molecular consequence: synonymous variant.
Genome position (GRCh38, 1-based): chr12:49,050,069, C>T on the plus strand (G>A on the coding strand, the complement: KMT2D is on the minus strand). VCF-style: chr12-49050069-C-T. GRCh37 (hg19) VCF-style: chr12-49443852-C-T.
Identifiers: ClinVar variation 2148814 (VCV002148814.6), dbSNP rs1364665430, ClinGen allele CA479713679.

ClinVar aggregate classification (germline): Benign. Review status: criteria provided, single submitter (1 of 4 stars). 2 submissions from 2 submitters: Benign (1). 1 of the submissions does not count toward it. Last evaluated 2024-11-06.

Conditions:
Kabuki syndrome. Also called: NIIKAWA-KUROKI SYNDROME; Kabuki make-up syndrome. Identifiers: Orphanet 2322, MedGen C0796004, MONDO:0016512.
KMT2D-related disorder. Also called: KMT2D-Related Disorders.

Allele frequency attached by ClinVar (database versions not stated): gnomAD 0.00001; gnomAD exomes 0.00001; TOPMed 0.00001.

Submissions (2):

Labcorp Genetics (formerly Invitae), Labcorp
Classification: Benign for Kabuki syndrome. Last evaluated: 2024-11-06. Review status: criteria provided, single submitter. Criteria: Invitae Variant Classification Sherloc (09022015). Collection method: clinical testing. Allele origin: germline.

PreventionGenetics, part of Exact Sciences
Classification: Likely benign for KMT2D-related condition. Last evaluated: 2022-06-16. Review status: no assertion criteria provided. Collection method: clinical testing. Allele origin: germline. Not counted in ClinVar's aggregate classification.
Comment: This variant is classified as likely benign based on ACMG/AMP sequence variant interpretation guidelines (Richards et al. 2015 PMID: 25741868, with internal and published modifications).